The following is an entry in ClinVar:

ClinVar aggregate classification (germline): Uncertain significance (1 of 4 stars; one submission).

gnomAD v4.1: 4 of 1,614,030 alleles (0.00025%); highest among the groups gnomAD compares: Admixed American, 0.005%; no homozygotes.

Submission:

Labcorp Genetics (formerly Invitae), Labcorp
Classification: Uncertain significance. Last evaluated: 2025-09-03. Review status: criteria provided, single submitter. Criteria: Invitae Variant Classification Sherloc (09022015). Collection method: clinical testing. Allele origin: germline.
Comment: This sequence change replaces leucine, which is neutral and non-polar, with valine, which is neutral and non-polar, at codon 653 of the ANK1 protein (p.Leu653Val). The frequency data for this variant in the population databases is considered unreliable, as metrics indicate poor data quality at this position in the gnomAD database. This variant has not been reported in the literature in individuals affected with ANK1-related conditions. ClinVar contains an entry for this variant (Variation ID: 3606597). Invitae Evidence Modeling of protein sequence and biophysical properties (such as structural, functional, and spatial information, amino acid conservation, physicochemical variation, residue mobility, and thermodynamic stability) indicates that this missense variant is not expected to disrupt ANK1 protein function with a negative predictive value of 80%. In summary, the available evidence is currently insufficient to determine the role of this variant in disease. Therefore, it has been classified as a Variant of Uncertain Significance.

NM_000037.4(ANK1):c.1957C>G (p.Leu653Val)

Gene: ANK1 (ankyrin 1; minus strand). Cytogenetic location: 8p11.21.
Variant type: single nucleotide variant.
Coding change: c.1957C>G on transcript NM_000037.4 (MANE Select); coding-DNA position 1957, C replaced by G.
Protein change: p.Leu653Val; replaces leucine 653 with valine.
Molecular consequence: missense variant.
Genome position (GRCh38, 1-based): chr8:41,708,819, G>C on the plus strand (C>G on the coding strand, the complement: ANK1 is on the minus strand). VCF-style: chr8-41708819-G-C. GRCh37 (hg19) VCF-style: chr8-41566337-G-C.
Other names: c.1957C>G, p.Leu653Val (NM_020477.3, NM_020475.3, NM_020476.3); c.2056C>G, p.Leu686Val (NM_001142446.2); short protein forms L653V, L686V.
Identifiers: ClinVar variation 3606597 (VCV003606597.2).
Genomic context (GRCh38, chr8:41,708,819, plus strand): 5'-CCGAAGACACCATGCCTACCTTGTTCCCCAGGTTGCCATTGGCTTGTTTCGAGAGCAGCA[G>C]AGCCACCATCTCTGCGTGGCCCTCCTGGGCGGCCAGGTGAAGGGGCGTCACACCTTGCAC-3'
Protein context (NP_000028.3, residues 643-663): AQEGHAEMVA[Leu653Val]LLSKQANGNL